The following is an entry in ClinVar:

ClinVar aggregate classification (germline): Likely pathogenic. Review status: criteria provided, single submitter (1 of 4 stars). 2 submissions from 2 submitters: Likely pathogenic (1). 1 of the submissions does not count toward it.

Conditions:
Autosomal recessive nonsyndromic hearing loss 21. Identifiers: Orphanet 90636, MedGen C1863655, MONDO:0011351, OMIM 603629.

gnomAD v4.1: 1 of 1,614,152 alleles (0.000062%); highest among the groups gnomAD compares: South Asian, 0.0011%; no homozygotes.

Submissions (2):

Juno Genomics, Hangzhou Juno Genomics, Inc
Classification: Likely pathogenic for Autosomal recessive nonsyndromic hearing loss 21. Review status: criteria provided, single submitter. Criteria: ACMG Guidelines, 2015. Collection method: clinical testing. Allele origin: germline.
Comment: Null variant in a gene where loss of function (LOF) is a known mechanism of disease.;Absent from controls (or at extremely low frequency if recessive) in Genome Aggregation Database.

Genetic Testing Center for Deafness, Department of Otolaryngology Head & Neck Surgery, Institute of Otolaryngology, Chinese PLA General Hospital
Classification: Pathogenic for Autosomal recessive nonsyndromic hearing loss 21. Last evaluated: 2019-02-26. Review status: no assertion criteria provided. Collection method: case-control. Allele origin: inherited. Affected: yes. Observed: 1 variant allele. Not counted in ClinVar's aggregate classification.

NM_005422.4(TECTA):c.5866C>T (p.Arg1956Ter)

Genes: TBCEL-TECTA (TBCEL-TECTA readthrough; plus strand), TECTA (tectorin alpha; plus strand). Cytogenetic location: 11q23.3.
Variant type: single nucleotide variant.
Coding change: c.5866C>T on transcript NM_005422.4 (MANE Select); coding-DNA position 5866, C replaced by T.
Protein change: p.Arg1956Ter; replaces arginine 1956 with a stop codon.
Molecular consequence: nonsense.
Genome position (GRCh38, 1-based): chr11:121,168,792, C>T. VCF-style: chr11-121168792-C-T. GRCh37 (hg19) VCF-style: chr11-121039501-C-T.
Other names: c.6808C>T, p.Arg2270Ter (NM_001378761.1); short protein forms R1956*, R2270*.
Identifiers: ClinVar variation 627480 (VCV000627480.3), dbSNP rs1565536400, ClinGen allele CA383036802.